The following is an entry in ClinVar:

ClinVar aggregate classification (germline): Likely pathogenic (1 of 4 stars; one submission).

Submission:

Labcorp Genetics (formerly Invitae), Labcorp
Classification: Likely pathogenic. Last evaluated: 2023-09-06. Review status: criteria provided, single submitter. Criteria: Invitae Variant Classification Sherloc (09022015). Collection method: clinical testing. Allele origin: germline.
Comment: In summary, the currently available evidence indicates that the variant is pathogenic, but additional data are needed to prove that conclusively. Therefore, this variant has been classified as Likely Pathogenic. Algorithms developed to predict the effect of sequence changes on RNA splicing suggest that this variant may disrupt the consensus splice site. This variant has not been reported in the literature in individuals affected with NDUFV1-related conditions. This variant is not present in population databases (gnomAD no frequency). This sequence change affects an acceptor splice site in intron 1 of the NDUFV1 gene. It is expected to disrupt RNA splicing. Variants that disrupt the donor or acceptor splice site typically lead to a loss of protein function (PMID: 16199547), and loss-of-function variants in NDUFV1 are known to be pathogenic (PMID: 10080174, 11349233).

Literature cited by the submitters: PubMed 16199547; PubMed 10080174; PubMed 11349233.

NM_007103.4(NDUFV1):c.73-1G>T

Gene: NDUFV1 (NADH:ubiquinone oxidoreductase core subunit V1; plus strand). Cytogenetic location: 11q13.2.
Variant type: single nucleotide variant.
Coding change: c.73-1G>T on transcript NM_007103.4 (MANE Select); the canonical splice acceptor site of the intron before coding-DNA position 73, G replaced by T.
Molecular consequence: splice acceptor variant.
Genome position (GRCh38, 1-based): chr11:67,608,395, G>T. VCF-style: chr11-67608395-G-T. GRCh37 (hg19) VCF-style: chr11-67375866-G-T.
Other names: c.46-1G>T (NM_001166102.2).
Identifiers: ClinVar variation 2758464 (VCV002758464.3), dbSNP rs2495715163, ClinGen allele CA381532262.